The following is an entry in ClinVar:

ClinVar aggregate classification (germline): Likely benign. Review status: criteria provided, multiple submitters, no conflicts (2 of 4 stars). 2 submissions from 2 submitters: Likely benign (2). Last evaluated 2025-01-18.

Conditions:
DLL1-related disorder. Also called: DLL1-related condition.

Submissions (2):

PreventionGenetics, part of Exact Sciences
Classification: Likely benign for DLL1-related condition. Last evaluated: 2025-01-18. Review status: criteria provided, single submitter. Criteria: ACMG Guidelines, 2015. Collection method: clinical testing. Allele origin: germline.
Comment: This variant is classified as likely benign based on ACMG/AMP sequence variant interpretation guidelines (Richards et al. 2015 PMID: 25741868, with internal and published modifications).

Labcorp Genetics (formerly Invitae), Labcorp
Classification: Likely benign. Last evaluated: 2024-04-16. Review status: criteria provided, single submitter. Criteria: Invitae Variant Classification Sherloc (09022015). Collection method: clinical testing. Allele origin: germline.

NM_005618.4(DLL1):c.2154C>T (p.Val718=)

Genes: DLL1 (delta like canonical Notch ligand 1; minus strand), LOC126859913 (P300/CBP strongly-dependent group 1 enhancer GRCh37_chr6:170591232-170592431; plus strand). Cytogenetic location: 6q27.
Variant type: single nucleotide variant.
Coding change: c.2154C>T on transcript NM_005618.4 (MANE Select); coding-DNA position 2154, C replaced by T.
Protein change: p.Val718=; no amino-acid change (valine 718 retained).
Molecular consequence: synonymous variant.
Genome position (GRCh38, 1-based): chr6:170,283,000, G>A on the plus strand (C>T on the coding strand, the complement: DLL1 is on the minus strand). VCF-style: chr6-170283000-G-A. GRCh37 (hg19) VCF-style: chr6-170592088-G-A.
Other names: c.2154C>T (NM_005618.3).
Identifiers: ClinVar variation 3713273 (VCV003713273.3).